The following is an entry in ClinVar:

NM_000540.2(RYR1):c.[14344G>A;14928C>G]

Variant type: Haplotype.
Identifiers: ClinVar variation 1120218 (VCV001120218.3).

ClinVar aggregate classification (germline): Pathogenic (1 of 4 stars; one submission).

Conditions:
Central core myopathy (CMYO1A). Also called: CONGENITAL MYOPATHY 1A, AUTOSOMAL DOMINANT, WITH SUSCEPTIBILITY TO MALIGNANT HYPERTHERMIA; Central core disease; Myopathy, central fibrillar. Identifiers: Orphanet 597, MedGen C5830701, MONDO:0007294, OMIM 117000.

Submission:

Department of Pathophysiology and Transplantation, IRCCS Foundation Ca' Granda Ospedale Maggiore Policlinico
Classification: Pathogenic for Central core myopathy. Last evaluated: 2021-03-30. Review status: criteria provided, single submitter. Criteria: ACMG Guidelines, 2015. Collection method: clinical testing. Allele origin: germline. Affected: yes.
Comment: Muscle biopsy showed fiber size variability and scattered COX activity.

The variant c.14344G>A caused a missense alteration p.Gly4782Arg in a highly conserved residue and was predected to be probably damaging by in silico analysis. This variant was already described in ClinVar (Variation ID: 285009). The variant c.14928C>G caused a missense alteration p.Phe4976Leu in a highly conserved residue and was predected to be probably damaging by in silico analysis. This variant was already described in ClinVar (Variation ID: 201154)

Literature cited by the submitters: PubMed 26275793; PubMed 29096039; PubMed 24706162.